The following is an entry in ClinVar:

ClinVar aggregate classification (germline): Likely benign (1 of 4 stars; one submission).

Allele frequency attached by ClinVar (database versions not stated): ExAC 0.00001.

Submission:

CeGaT Center for Human Genetics Tuebingen
Classification: Likely benign. Last evaluated: 2022-10-01. Review status: criteria provided, single submitter. Criteria: CeGaT Center For Human Genetics Tuebingen Variant Classification Criteria Version 2. Collection method: clinical testing. Allele origin: germline. Affected: yes. Observed: 1 variant allele.
Comment: HMCN1: PM2:Supporting, BP4, BP7

NM_031935.3(HMCN1):c.9186C>T (p.Asp3062=)

Gene: HMCN1 (hemicentin 1; plus strand). Cytogenetic location: 1q31.1.
Variant type: single nucleotide variant.
Coding change: c.9186C>T on transcript NM_031935.3 (MANE Select); coding-DNA position 9186, C replaced by T.
Protein change: p.Asp3062=; no amino-acid change (aspartic acid 3062 retained).
Molecular consequence: synonymous variant.
Genome position (GRCh38, 1-based): chr1:186,087,468, C>T. VCF-style: chr1-186087468-C-T. GRCh37 (hg19) VCF-style: chr1-186056600-C-T.
Identifiers: ClinVar variation 2639646 (VCV002639646.24), dbSNP rs771552430, ClinGen allele CA1293352.